The following is an entry in ClinVar:

ClinVar aggregate classification (germline): Uncertain significance (1 of 4 stars; one submission).

Conditions:
Hereditary cancer-predisposing syndrome. Also called: Hereditary neoplastic syndrome; Tumor predisposition; Hereditary Cancer Syndrome; Neoplastic Syndromes, Hereditary. Identifiers: Orphanet 140162, MedGen C0027672, MeSH D009386, MONDO:0015356.

Submission:

Ambry Genetics
Classification: Uncertain significance for Hereditary cancer-predisposing syndrome. Last evaluated: 2023-08-24. Review status: criteria provided, single submitter. Criteria: Ambry Variant Classification Scheme 2023. Collection method: clinical testing. Allele origin: germline.
Comment: The p.N99H variant (also known as c.295A>C), located in coding exon 3 of the FANCC gene, results from an A to C substitution at nucleotide position 295. The asparagine at codon 99 is replaced by histidine, an amino acid with similar properties. This amino acid position is conserved. In addition, this alteration is predicted to be tolerated by in silico analysis. Since supporting evidence is limited at this time, the clinical significance of this alteration remains unclear.

NM_000136.3(FANCC):c.295A>C (p.Asn99His)

Gene: FANCC (FA complementation group C; minus strand). Cytogenetic location: 9q22.32.
Variant type: single nucleotide variant.
Coding change: c.295A>C on transcript NM_000136.3 (MANE Select); coding-DNA position 295, A replaced by C.
Protein change: p.Asn99His; replaces asparagine 99 with histidine.
Molecular consequence: missense variant.
Genome position (GRCh38, 1-based): chr9:95,240,699, T>G on the plus strand (A>C on the coding strand, the complement: FANCC is on the minus strand). VCF-style: chr9-95240699-T-G. GRCh37 (hg19) VCF-style: chr9-98002981-T-G.
Other names: c.295A>C, p.Asn99His (NM_001243743.2, NM_001243744.2); short protein forms N99H.
Identifiers: ClinVar variation 2585986 (VCV002585986.2), dbSNP rs2542755655, ClinGen allele CA374339358.